The following is an entry in ClinVar:

NM_020778.5(ALPK3):c.592C>T (p.Gln198Ter)

Gene: ALPK3 (alpha kinase 3; plus strand). Cytogenetic location: 15q25.3.
Variant type: single nucleotide variant.
Coding change: c.592C>T on transcript NM_020778.5 (MANE Select); coding-DNA position 592, C replaced by T.
Protein change: p.Gln198Ter; replaces glutamine 198 with a stop codon.
Molecular consequence: nonsense.
Genome position (GRCh38, 1-based): chr15:84,839,871, C>T. VCF-style: chr15-84839871-C-T. GRCh37 (hg19) VCF-style: chr15-85383102-C-T.
Other names: short protein forms Q198*.
Identifiers: ClinVar variation 4721675 (VCV004721675.1).

ClinVar aggregate classification (germline): Pathogenic (1 of 4 stars; one submission).

Submission:

Labcorp Genetics (formerly Invitae), Labcorp
Classification: Pathogenic. Last evaluated: 2025-07-30. Review status: criteria provided, single submitter. Criteria: Invitae Variant Classification Sherloc (09022015). Collection method: clinical testing. Allele origin: germline.
Comment: This sequence change creates a premature translational stop signal (p.Gln400*) in the ALPK3 gene. It is expected to result in an absent or disrupted protein product. Loss-of-function variants in ALPK3 are known to be pathogenic (PMID: 21441111, 26846950, 27106955, 34263907). This variant is not present in population databases (gnomAD no frequency). This variant has not been reported in the literature in individuals affected with ALPK3-related conditions. For these reasons, this variant has been classified as Pathogenic.

Literature cited by the submitters: PubMed 21441111; PubMed 26846950; PubMed 27106955; PubMed 34263907.